The following is an entry in ClinVar:

NM_001077350.3(NPRL3):c.671G>A (p.Trp224Ter)

Genes: HBA-LCR (alpha-globin locus control region; plus strand), NPRL3 (NPR3 like, GATOR1 complex subunit; minus strand). Cytogenetic location: 16p13.3.
Variant type: single nucleotide variant.
Coding change: c.671G>A on transcript NM_001077350.3 (MANE Select); coding-DNA position 671, G replaced by A.
Protein change: p.Trp224Ter; replaces tryptophan 224 with a stop codon.
Molecular consequence: nonsense.
Genome position (GRCh38, 1-based): chr16:100,468, C>T on the plus strand (G>A on the coding strand, the complement: NPRL3 is on the minus strand). VCF-style: chr16-100468-C-T. GRCh37 (hg19) VCF-style: chr16-150466-C-T.
Other names: c.134G>A, p.Trp45Ter (NM_001039476.3); c.437G>A, p.Trp146Ter (NM_001243247.2); c.596G>A, p.Trp199Ter (NM_001243248.2, NM_001243249.2); short protein forms W146*, W199*, W224*, W45*.
Identifiers: ClinVar variation 3366945 (VCV003366945.1).

ClinVar aggregate classification (germline): Likely pathogenic (1 of 4 stars; one submission).

Conditions:
Epilepsy, familial focal, with variable foci 3 (FFEVF3). Identifiers: MedGen C4310708, MONDO:0014925, OMIM 617118.

Submission:

Institute of Immunology and Genetics Kaiserslautern
Classification: Likely pathogenic for Epilepsy, familial focal, with variable foci 3. Last evaluated: 2024-06-13. Review status: criteria provided, single submitter. Criteria: ACMG Guidelines, 2015. Collection method: clinical testing. Allele origin: maternal. Affected: yes.
Comment: ACMG Criteria: PVS1, PM2; Variant was found in heterozygous state.